The following is an entry in ClinVar:

NM_153816.6(SNX14):c.2636T>C (p.Met879Thr)

Gene: SNX14 (sorting nexin 14; minus strand). Cytogenetic location: 6q14.3.
Variant type: single nucleotide variant.
Coding change: c.2636T>C on transcript NM_153816.6 (MANE Select); coding-DNA position 2636, T replaced by C.
Protein change: p.Met879Thr; replaces methionine 879 with threonine.
Molecular consequence: missense variant. On other transcripts: non-coding transcript variant (6).
Genome position (GRCh38, 1-based): chr6:85,513,817, A>G on the plus strand (T>C on the coding strand, the complement: SNX14 is on the minus strand). VCF-style: chr6-85513817-A-G. GRCh37 (hg19) VCF-style: chr6-86223535-A-G.
Other names: c.2609T>C, p.Met870Thr (NM_001297614.3); c.2480T>C, p.Met827Thr (NM_001304479.2); c.2699T>C, p.Met900Thr (NM_001350532.2); c.2633T>C, p.Met878Thr (NM_001350533.2, NM_001350535.2); c.2606T>C, p.Met869Thr (NM_001350534.2); c.2504T>C, p.Met835Thr (NM_001350536.2); c.2501T>C, p.Met834Thr (NM_001350537.2); c.2492T>C, p.Met831Thr (NM_001350538.2); and 10 more; short protein forms M731T, M782T, M783T, M815T, M827T, M831T, M869T, M900T.
Identifiers: ClinVar variation 2177702 (VCV002177702.1), dbSNP rs767607004, ClinGen allele CA3911812.

ClinVar aggregate classification (germline): Uncertain significance (1 of 4 stars; one submission).

Allele frequency attached by ClinVar (database versions not stated): gnomAD 0.00003; ExAC 0.00006; gnomAD exomes 0.00007.
gnomAD v4.1: 111 of 1,611,366 alleles (0.0069%); highest among the groups gnomAD compares: South Asian, 0.024%; no homozygotes.

Submission:

Labcorp Genetics (formerly Invitae), Labcorp
Classification: Uncertain significance. Last evaluated: 2022-09-27. Review status: criteria provided, single submitter. Criteria: Invitae Variant Classification Sherloc (09022015). Collection method: clinical testing. Allele origin: germline.
Comment: This sequence change replaces methionine, which is neutral and non-polar, with threonine, which is neutral and polar, at codon 879 of the SNX14 protein (p.Met879Thr). This variant is present in population databases (rs767607004, gnomAD 0.06%). This variant has not been reported in the literature in individuals affected with SNX14-related conditions. Advanced modeling of protein sequence and biophysical properties (such as structural, functional, and spatial information, amino acid conservation, physicochemical variation, residue mobility, and thermodynamic stability) performed at Invitae indicates that this missense variant is expected to disrupt SNX14 protein function. In summary, the available evidence is currently insufficient to determine the role of this variant in disease. Therefore, it has been classified as a Variant of Uncertain Significance.